The following is an entry in ClinVar:

ClinVar aggregate classification (germline): Uncertain significance. Review status: criteria provided, multiple submitters, no conflicts (2 of 4 stars). 2 submissions from 2 submitters: Uncertain significance (2). Last evaluated 2025-03-17.

Conditions:
Ataxia-telangiectasia-like disorder (ATLD). Identifiers: MedGen C1858391, MONDO:0011457.
Hereditary cancer-predisposing syndrome. Also called: Neoplastic Syndromes, Hereditary; Tumor predisposition; Hereditary Cancer Syndrome; Hereditary neoplastic syndrome. Identifiers: Orphanet 140162, MedGen C0027672, MeSH D009386, MONDO:0015356.

Allele frequency attached by ClinVar (database versions not stated): gnomAD exomes below 0.00001.
gnomAD v4.1: 1 of 1,613,852 alleles (0.000062%); highest among the groups gnomAD compares: Non-Finnish European, 0.000085%; no homozygotes.

Submissions (2):

Ambry Genetics
Classification: Uncertain significance for Hereditary cancer-predisposing syndrome. Last evaluated: 2025-03-17. Review status: criteria provided, single submitter. Criteria: Ambry Variant Classification Scheme 2023. Collection method: clinical testing. Allele origin: germline.
Comment: The p.S68P variant (also known as c.202T>C), located in coding exon 3 of the MRE11A gene, results from a T to C substitution at nucleotide position 202. The serine at codon 68 is replaced by proline, an amino acid with similar properties. This amino acid position is conserved. In addition, this alteration is predicted to be deleterious by in silico analysis. Based on the available evidence, the clinical significance of this variant remains unclear.

Labcorp Genetics (formerly Invitae), Labcorp
Classification: Uncertain significance for Ataxia-telangiectasia-like disorder. Last evaluated: 2018-04-06. Review status: criteria provided, single submitter. Criteria: Invitae Variant Classification Sherloc (09022015). Collection method: clinical testing. Allele origin: germline.
Comment: In summary, the available evidence is currently insufficient to determine the role of this variant in disease. Therefore, it has been classified as a Variant of Uncertain Significance. This sequence change replaces serine with proline at codon 68 of the MRE11 protein (p.Ser68Pro). The serine residue is highly conserved and there is a moderate physicochemical difference between serine and proline. This variant is not present in population databases (ExAC no frequency). This variant has not been reported in the literature in individuals with MRE11-related disease. ClinVar contains an entry for this variant (Variation ID: 466439). Algorithms developed to predict the effect of missense changes on protein structure and function do not agree on the potential impact of this missense change (SIFT: "Deleterious"; PolyPhen-2: "Possibly Damaging"; Align-GVGD: "Class C0").

NM_005591.4(MRE11):c.202T>C (p.Ser68Pro)

Gene: MRE11 (MRE11 double strand break repair nuclease; minus strand). Cytogenetic location: 11q21.
Variant type: single nucleotide variant.
Coding change: c.202T>C on transcript NM_005591.4 (MANE Select); coding-DNA position 202, T replaced by C.
Protein change: p.Ser68Pro; replaces serine 68 with proline.
Molecular consequence: missense variant.
Genome position (GRCh38, 1-based): chr11:94,486,036, A>G on the plus strand (T>C on the coding strand, the complement: MRE11 is on the minus strand). VCF-style: chr11-94486036-A-G. GRCh37 (hg19) VCF-style: chr11-94219202-A-G.
Other names: c.202T>C, p.Ser68Pro (NM_001330347.2, NM_005590.4); short protein forms S68P.
Identifiers: ClinVar variation 466439 (VCV000466439.11), dbSNP rs1555017253, ClinGen allele CA382379739.